The following is an entry in ClinVar:

ClinVar aggregate classification (germline): Benign (1 of 4 stars; one submission).

Conditions:
Congenital generalized lipodystrophy type 4. Also called: BERARDINELLI-SEIP CONGENITAL LIPODYSTROPHY, TYPE 4, WITH MUSCULAR DYSTROPHY. Identifiers: Orphanet 228429, MedGen C2750069, MONDO:0013225, OMIM 613327.

Allele frequency attached by ClinVar (database versions not stated): gnomAD exomes 0.00112; gnomAD 0.00940; 1000 Genomes Project 0.01058; TOPMed 0.01110; 1000 Genomes Project 30x 0.01124.
gnomAD v4.1: 1,488 of 189,618 alleles (0.78%); highest among the groups gnomAD compares: African/African-American, 3.3%; 28 homozygotes.

Submission:

Illumina Laboratory Services, Illumina
Classification: Benign for Congenital generalized lipodystrophy type 4. Last evaluated: 2018-01-13. Review status: criteria provided, single submitter. Criteria: ICSL Variant Classification Criteria 13 December 2019. Collection method: clinical testing. Allele origin: germline.
Comment: This variant was observed in the ICSL laboratory as part of a predisposition screen in an ostensibly healthy population. It had not been previously curated by ICSL or reported in the Human Gene Mutation Database (HGMD: prior to June 1st, 2018), and was therefore a candidate for classification through an automated scoring system. Utilizing variant allele frequency, disease prevalence and penetrance estimates, and inheritance mode, an automated score was calculated to assess if this variant is too frequent to cause the disease. Based on the score and internal cut-off values, a variant classified as benign is not then subjected to further curation. The score for this variant resulted in a classification of benign for this disease.

NM_012232.6(CAVIN1):c.*363C>T

Gene: CAVIN1 (caveolae associated protein 1; minus strand). Cytogenetic location: 17q21.2.
Variant type: single nucleotide variant.
Coding change: c.*363C>T on transcript NM_012232.6 (MANE Select); 363 bases downstream of the stop codon, C replaced by T.
Molecular consequence: 3 prime UTR variant.
Genome position (GRCh38, 1-based): chr17:42,404,324, G>A on the plus strand (C>T on the coding strand, the complement: CAVIN1 is on the minus strand). VCF-style: chr17-42404324-G-A. GRCh37 (hg19) VCF-style: chr17-40556342-G-A.
Identifiers: ClinVar variation 323272 (VCV000323272.5), dbSNP rs75155493, ClinGen allele CA10649269.